The following is an entry in ClinVar:

ClinVar aggregate classification (germline): Likely pathogenic (1 of 4 stars; one submission).

Conditions:
Amyloidosis, primary localized cutaneous, 3. Also called: AMYLOIDOSIS CUTIS DYSCHROMICA. Identifiers: MedGen C4554421, MONDO:0054765, OMIM 617920.

gnomAD v4.1: 19 of 1,613,888 alleles (0.0012%); highest among the groups gnomAD compares: East Asian, 0.0067%; no homozygotes.

Submission:

First Genomix Gene Laboratory, Genetic Diagnostics Department
Classification: Likely pathogenic for Amyloidosis, primary localized cutaneous, 3. Last evaluated: 2025-01-11. Review status: criteria provided, single submitter. Criteria: ACMG Guidelines, 2015. Collection method: clinical testing. Allele origin: germline. Inheritance: Autosomal recessive inheritance. Affected: no. Observed: 1 variant allele.

NM_002510.3(GPNMB):c.1238G>C (p.Cys413Ser)

Gene: GPNMB (glycoprotein nmb; plus strand). Cytogenetic location: 7p15.3.
Variant type: single nucleotide variant.
Coding change: c.1238G>C on transcript NM_002510.3 (MANE Select); coding-DNA position 1238, G replaced by C.
Protein change: p.Cys413Ser; replaces cysteine 413 with serine.
Molecular consequence: missense variant.
Genome position (GRCh38, 1-based): chr7:23,269,984, G>C. VCF-style: chr7-23269984-G-C. GRCh37 (hg19) VCF-style: chr7-23309603-G-C.
Other names: c.1274G>C, p.Cys425Ser (NM_001005340.2); short protein forms C413S, C425S.
Identifiers: ClinVar variation 4845665 (VCV004845665.1).
Genomic context (GRCh38, chr7:23,269,984, plus strand): 5'-TTCTCTGTGCCCTGTGCGCCCTCGCCCACCTCCCCTGTCGCAGCATTCCCACGGAGGTCT[G>C]TACCATCATTTCTGACCCCACCTGCGAGATCACCCAGAACACAGTCTGCAGCCCTGTGGA-3'
Protein context (NP_002501.1, residues 403-423): TCQGSIPTEV[Cys413Ser]TIISDPTCEI